The following is an entry in ClinVar:

ClinVar aggregate classification (germline): Uncertain significance (1 of 4 stars; one submission).

gnomAD v4.1: 2 of 1,613,950 alleles (0.00012%); highest among the groups gnomAD compares: Non-Finnish European, 0.00017%; no homozygotes.

Submission:

Labcorp Genetics (formerly Invitae), Labcorp
Classification: Uncertain significance. Last evaluated: 2021-05-18. Review status: criteria provided, single submitter. Criteria: Invitae Variant Classification Sherloc (09022015). Collection method: clinical testing. Allele origin: germline.
Comment: This sequence change replaces aspartic acid with tyrosine at codon 680 of the ADAMTS18 protein (p.Asp680Tyr). The aspartic acid residue is highly conserved and there is a large physicochemical difference between aspartic acid and tyrosine. In summary, the available evidence is currently insufficient to determine the role of this variant in disease. Therefore, it has been classified as a Variant of Uncertain Significance. Algorithms developed to predict the effect of missense changes on protein structure and function are either unavailable or do not agree on the potential impact of this missense change (SIFT: "Not Available"; PolyPhen-2: "Probably Damaging"; Align-GVGD: "Not Available"). This variant has not been reported in the literature in individuals with ADAMTS18-related conditions. This variant is not present in population databases (ExAC no frequency).

NM_199355.4(ADAMTS18):c.2038G>T (p.Asp680Tyr)

Gene: ADAMTS18 (ADAM metallopeptidase with thrombospondin type 1 motif 18; minus strand). Cytogenetic location: 16q23.1.
Variant type: single nucleotide variant.
Coding change: c.2038G>T on transcript NM_199355.4 (MANE Select); coding-DNA position 2038, G replaced by T.
Protein change: p.Asp680Tyr; replaces aspartic acid 680 with tyrosine.
Molecular consequence: missense variant.
Genome position (GRCh38, 1-based): chr16:77,322,461, C>A on the plus strand (G>T on the coding strand, the complement: ADAMTS18 is on the minus strand). VCF-style: chr16-77322461-C-A. GRCh37 (hg19) VCF-style: chr16-77356358-C-A.
Other names: c.1522G>T, p.Asp508Tyr (NM_001326358.2); short protein forms D680Y, D508Y.
Identifiers: ClinVar variation 1492284 (VCV001492284.8), dbSNP rs1417729282, ClinGen allele CA396828709.